The following is an entry in ClinVar:

ClinVar aggregate classification (germline): Likely benign. Review status: criteria provided, multiple submitters, no conflicts (2 of 4 stars). 6 submissions from 6 submitters: Likely benign (3). 3 of the submissions do not count toward it. Last evaluated 2026-01-03.

Conditions:
CA4-related disorder. Also called: CA4-related condition.
Retinitis pigmentosa (RP). Identifiers: Orphanet 791, MedGen C0035334, MeSH D012174, MONDO:0019200, OMIM 268000. Inheritance: Autosomal dominant, autosomal recessive and X linked inheritance.

Allele frequency attached by ClinVar (database versions not stated): ESP Exome Variant Server 0.00038; gnomAD exomes 0.00039 and 0.00079; TOPMed 0.00046; gnomAD 0.00056 and 0.00057; 1000 Genomes Project 30x 0.00062; ExAC 0.00072; 1000 Genomes Project 0.00080.
gnomAD v4.1: 1,206 of 1,610,472 alleles (0.075%); highest among the groups gnomAD compares: Non-Finnish European, 0.097%; 1 homozygote.

Submissions (6):

Labcorp Genetics (formerly Invitae), Labcorp
Classification: Likely benign. Last evaluated: 2026-01-03. Review status: criteria provided, single submitter. Criteria: Invitae Variant Classification Sherloc (09022015). Collection method: clinical testing. Allele origin: germline.

Blueprint Genetics
Classification: Likely benign. Last evaluated: 2024-08-20. Review status: criteria provided, single submitter. Criteria: ACMG Guidelines, 2015. Collection method: clinical testing. Allele origin: germline.

Illumina Laboratory Services, Illumina
Classification: Likely benign for Retinitis pigmentosa. Last evaluated: 2018-01-13. Review status: criteria provided, single submitter. Criteria: ICSL Variant Classification Criteria 13 December 2019. Collection method: clinical testing. Allele origin: germline.
Comment: This variant was observed in the ICSL laboratory as part of a predisposition screen in an ostensibly healthy population. It had not been previously curated by ICSL or reported in the Human Gene Mutation Database (HGMD: prior to June 1st, 2018), and was therefore a candidate for classification through an automated scoring system. Utilizing variant allele frequency, disease prevalence and penetrance estimates, and inheritance mode, an automated score was calculated to assess if this variant is too frequent to cause the disease. Based on the score and internal cut-off values, a variant classified as likely benign is not then subjected to further curation. The score for this variant resulted in a classification of likely benign for this disease.

PreventionGenetics, part of Exact Sciences
Classification: Likely benign for CA4-related condition. Last evaluated: 2019-09-12. Review status: no assertion criteria provided. Collection method: clinical testing. Allele origin: germline. Not counted in ClinVar's aggregate classification.
Comment: This variant is classified as likely benign based on ACMG/AMP sequence variant interpretation guidelines (Richards et al. 2015 PMID: 25741868, with internal and published modifications).

Clinical Genetics DNA and cytogenetics Diagnostics Lab, Erasmus MC, Erasmus Medical Center
Classification: Likely benign. Review status: no assertion criteria provided. Collection method: clinical testing. Allele origin: germline. Affected: yes. Study: VKGL Data-share Consensus. Not counted in ClinVar's aggregate classification.

Clinical Genetics, Academic Medical Center
Classification: Benign. Review status: no assertion criteria provided. Collection method: clinical testing. Allele origin: germline. Affected: yes. Study: VKGL Data-share Consensus. Not counted in ClinVar's aggregate classification.

NM_000717.5(CA4):c.807T>C (p.Asn269=)

Gene: CA4 (carbonic anhydrase 4; plus strand). Cytogenetic location: 17q23.1.
Variant type: single nucleotide variant.
Coding change: c.807T>C on transcript NM_000717.5 (MANE Select); coding-DNA position 807, T replaced by C.
Protein change: p.Asn269=; no amino-acid change (asparagine 269 retained).
Molecular consequence: synonymous variant. On other transcripts: non-coding transcript variant (1).
Genome position (GRCh38, 1-based): chr17:60,159,292, T>C. VCF-style: chr17-60159292-T-C. GRCh37 (hg19) VCF-style: chr17-58236653-T-C.
Identifiers: ClinVar variation 324238 (VCV000324238.21), dbSNP rs142961963, ClinGen allele CA8685542.
Genomic context (GRCh38, chr17:60,159,292, plus strand): 5'-CCTGGCATTCTCTCAGAAGCTGTACTACGACAAGGAACAGACAGTGAGCATGAAGGACAA[T>C]GTCAGGCCCCTGCAGCAGCTGGGGCAGCGCACGGTGATAAAGTCCGGGGCCCCGGGTCGG-3'
Protein context (NP_000708.1, residues 259-279): DKEQTVSMKD[Asn269=]VRPLQQLGQR